The following is an entry in ClinVar:

ClinVar aggregate classification (germline): Likely benign. Review status: criteria provided, multiple submitters, no conflicts (2 of 4 stars). 2 submissions from 2 submitters: Likely benign (2). Last evaluated 2023-11-30.

Conditions:
Cardiomyopathy (CMYO). Also called: Cardiomyopathies. Identifiers: Orphanet 167848, MedGen C0878544, MONDO:0004994, HP:0001638. Inheritance: Various modes of inheritance.
Hypertrophic cardiomyopathy. Also called: HYPERTROPHIC MYOCARDIOPATHY. Identifiers: Orphanet 217569, MedGen C0007194, MeSH D002312, MONDO:0005045, HP:0001639.

Submissions (2):

All of Us Research Program, National Institutes of Health
Classification: Likely benign for Hypertrophic cardiomyopathy. Last evaluated: 2023-11-30. Review status: criteria provided, single submitter. Criteria: ACMG Guidelines, 2015. Collection method: clinical testing. Allele origin: germline. Inheritance: Autosomal dominant inheritance. Observed: 2 variant alleles, 2 heterozygotes.
Comment: This study involves interpretation of variants in research participants for the purpose of population health screening. Participant phenotype was not available at the time of variant classification. Additional details can be found in publication PMID: 35346344, PMCID: PMC8962531

Color Diagnostics, LLC DBA Color Health
Classification: Likely benign for Cardiomyopathy. Last evaluated: 2022-03-23. Review status: criteria provided, single submitter. Criteria: ACMG Guidelines, 2015. Collection method: clinical testing. Allele origin: germline.

NM_000256.3(MYBPC3):c.2985C>T (p.Ile995=)

Gene: MYBPC3 (myosin binding protein C3; minus strand). Cytogenetic location: 11p11.2.
Variant type: single nucleotide variant.
Coding change: c.2985C>T on transcript NM_000256.3 (MANE Select); coding-DNA position 2985, C replaced by T.
Protein change: p.Ile995=; no amino-acid change (isoleucine 995 retained).
Molecular consequence: synonymous variant.
Genome position (GRCh38, 1-based): chr11:47,333,931, G>A on the plus strand (C>T on the coding strand, the complement: MYBPC3 is on the minus strand). VCF-style: chr11-47333931-G-A. GRCh37 (hg19) VCF-style: chr11-47355482-G-A.
Identifiers: ClinVar variation 2773712 (VCV002773712.3), dbSNP rs2495742637, ClinGen allele CA474429160.